The following is an entry in ClinVar:

ClinVar aggregate classification (germline): Conflicting classifications of pathogenicity. Review status: criteria provided, conflicting classifications (1 of 4 stars). 4 submissions from 4 submitters: Uncertain significance (2); Likely benign (1). 1 of the submissions does not count toward it. Last evaluated 2024-01-02.

Conditions:
Arthrogryposis multiplex congenita 6. Identifiers: MedGen C5543431, MONDO:0030281, OMIM 619334.
Nemaline myopathy 2 (NEM2). Also called: Nemaline myopathy 2, autosomal recessive. Identifiers: MedGen C1850569, MONDO:0009725, OMIM 256030.

Allele frequency attached by ClinVar (database versions not stated): gnomAD 0.00001; 1000 Genomes Project 30x 0.00016; 1000 Genomes Project 0.00020.
gnomAD v4.1: 29 of 1,600,522 alleles (0.0018%); highest among the groups gnomAD compares: South Asian, 0.031%; no homozygotes.

Submissions (4):

Labcorp Genetics (formerly Invitae), Labcorp
Classification: Likely benign for Nemaline myopathy 2. Last evaluated: 2024-01-02. Review status: criteria provided, single submitter. Criteria: Invitae Variant Classification Sherloc (09022015). Collection method: clinical testing. Allele origin: germline.

Blueprint Genetics
Classification: Uncertain significance. Last evaluated: 2021-06-21. Review status: criteria provided, single submitter. Criteria: ACMG Guidelines, 2015. Collection method: clinical testing. Allele origin: germline.

Neuberg Centre For Genomic Medicine, NCGM
Classification: Uncertain significance for Arthrogryposis multiplex congenita 6. Review status: criteria provided, single submitter. Criteria: ACMG Guidelines, 2015. Collection method: clinical testing. Allele origin: germline. Inheritance: Autosomal recessive inheritance. Affected: yes.
Comment: The observed missense variant c.25390C>Ap.Pro8464Thr in the NEB gene has not been reported previously as a pathogenic variant nor as a benign variant, to our knowledge. This variant is reported with the allele frequency 0.005% in the gnomAD Exomes. This variant has been reported to the ClinVar database as Uncertain Significance/Likely Benign. However, no details are available for independent assessment. The amino acid Pro at position 8464 is changed to a Thr changing protein sequence and it might alter its composition and physico- chemical properties. Multiple lines of computational evidence SIFT - Damaging and MutationTaster - Disease causing predict a damaging effect on protein structure and function for this variant. The residue is conserved by GERP++ and PhyloP across 100 vertebrates. For these reasons, this variant has been classified as Uncertain Significance. The variant has low depth and hence Sanger sequencing is recommended to confirm the variant.

Natera, Inc.
Classification: Uncertain significance for Nemaline myopathy type 2. Last evaluated: 2020-01-24. Review status: no assertion criteria provided. Collection method: clinical testing. Allele origin: germline. Not counted in ClinVar's aggregate classification.

NM_001164508.2(NEB):c.25390C>A (p.Pro8464Thr)

Genes: NEB (nebulin; minus strand), RIF1 (replication timing regulatory factor 1; plus strand). Cytogenetic location: 2q23.3.
Variant type: single nucleotide variant.
Coding change: c.25390C>A on transcript NM_001164508.2 (MANE Select); coding-DNA position 25390, C replaced by A.
Protein change: p.Pro8464Thr; replaces proline 8464 with threonine.
Molecular consequence: missense variant.
Genome position (GRCh38, 1-based): chr2:151,489,985, G>T on the plus strand (C>A on the coding strand, the complement: NEB is on the minus strand). VCF-style: chr2-151489985-G-T. GRCh37 (hg19) VCF-style: chr2-152346499-G-T.
Other names: c.25390C>A, p.Pro8464Thr (NM_001164507.2); c.25495C>A, p.Pro8499Thr (NM_001271208.2); c.19822C>A, p.Pro6608Thr (NM_004543.5); short protein forms P6608T, P8464T, P8499T.
Identifiers: ClinVar variation 1064161 (VCV001064161.13), dbSNP rs376984481, ClinGen allele CA1905727.